The following is an entry in ClinVar:

ClinVar aggregate classification (germline): Likely pathogenic (1 of 4 stars; one submission).

Conditions:
CNOT3-related disorder. Also called: CNOT3-related condition.

Submission:

PreventionGenetics, part of Exact Sciences
Classification: Likely pathogenic for CNOT3-related condition. Last evaluated: 2022-09-15. Review status: criteria provided, single submitter. Criteria: ACMG Guidelines, 2015. Collection method: clinical testing. Allele origin: germline.
Comment: The CNOT3 c.169C>G variant is predicted to result in the amino acid substitution p.Arg57Gly. To our knowledge, this variant has not been reported in the literature or in a large population database, indicating this variant is rare. This variant is interpreted as likely pathogenic.

NM_014516.4(CNOT3):c.169C>G (p.Arg57Gly)

Gene: CNOT3 (CCR4-NOT transcription complex subunit 3; plus strand). Cytogenetic location: 19q13.42.
Variant type: single nucleotide variant.
Coding change: c.169C>G on transcript NM_014516.4 (MANE Select); coding-DNA position 169, C replaced by G.
Protein change: p.Arg57Gly; replaces arginine 57 with glycine.
Molecular consequence: missense variant.
Genome position (GRCh38, 1-based): chr19:54,143,660, C>G. VCF-style: chr19-54143660-C-G. GRCh37 (hg19) VCF-style: chr19-54647396-C-G.
Other names: short protein forms R57G.
Identifiers: ClinVar variation 2629348 (VCV002629348.1), dbSNP rs2074547544, ClinGen allele CA407758780.
Genomic context (GRCh38, chr19:54,143,660, plus strand): 5'-AGCTGTGGGCCCCAGTTCCTGGGTCCTGAGGTCTGACTTTCTTGCTTTTCCCATCTGCAG[C>G]GGCTGAGGGACCAAATCAAGACATGGGTAGCGTCCAACGAGATCAAGGACAAGAGGCAGC-3'
Protein context (NP_055331.1, residues 47-67): DLKKEIKKLQ[Arg57Gly]LRDQIKTWVA